The following is an entry in ClinVar:

NM_025132.4(WDR19):c.1339A>G (p.Lys447Glu)

Gene: WDR19 (WD repeat domain 19; plus strand). Cytogenetic location: 4p14.
Variant type: single nucleotide variant.
Coding change: c.1339A>G on transcript NM_025132.4 (MANE Select); coding-DNA position 1339, A replaced by G.
Protein change: p.Lys447Glu; replaces lysine 447 with glutamic acid.
Molecular consequence: missense variant.
Genome position (GRCh38, 1-based): chr4:39,217,223, A>G. VCF-style: chr4-39217223-A-G. GRCh37 (hg19) VCF-style: chr4-39218843-A-G.
Other names: c.859A>G, p.Lys287Glu (NM_001317924.2); short protein forms K447E, K287E.
Identifiers: ClinVar variation 4794607 (VCV004794607.1).
Genomic context (GRCh38, chr4:39,217,223, plus strand): 5'-CTGGGAACAGTAGCCAGTATTTGCCTTCATTCTGACTATGCTGCTGCACTTTTTGAAGGC[A>G]AAGTCCAGTTACATTTGGTAAGTATAATTTTGATGTCCTGGAGACGCGCTAAGTTATAAT-3'
Protein context (NP_079408.3, residues 437-457): SDYAAALFEG[Lys447Glu]VQLHLIESEI

ClinVar aggregate classification (germline): Uncertain significance (1 of 4 stars; one submission).

Conditions:
Senior-Loken syndrome 8 (SLSN8). Identifiers: Orphanet 3156, MedGen C4225376, MONDO:0014579, OMIM 616307.
Asphyxiating thoracic dystrophy 5 (SRTD5). Also called: SHORT-RIB THORACIC DYSPLASIA 5 WITH OR WITHOUT POLYDACTYLY; SHORT-RIB THORACIC DYSPLASIA 5 WITHOUT POLYDACTYLY. Identifiers: Orphanet 474, MedGen C3280598, MONDO:0013717, OMIM 614376.

gnomAD v4.1: 1 of 1,600,422 alleles (0.000062%); no homozygotes.

Submission:

Labcorp Genetics (formerly Invitae), Labcorp
Classification: Uncertain significance for Senior-Loken syndrome 8; Asphyxiating thoracic dystrophy 5. Last evaluated: 2025-06-30. Review status: criteria provided, single submitter. Criteria: Invitae Variant Classification Sherloc (09022015). Collection method: clinical testing. Allele origin: germline.
Comment: This sequence change replaces lysine, which is basic and polar, with glutamic acid, which is acidic and polar, at codon 447 of the WDR19 protein (p.Lys447Glu). This variant is not present in population databases (gnomAD no frequency). This variant has not been reported in the literature in individuals affected with WDR19-related conditions. Invitae Evidence Modeling of protein sequence and biophysical properties (such as structural, functional, and spatial information, amino acid conservation, physicochemical variation, residue mobility, and thermodynamic stability) has been performed for this missense variant. However, the output from this modeling did not meet the statistical confidence thresholds required to predict the impact of this variant on WDR19 protein function. In summary, the available evidence is currently insufficient to determine the role of this variant in disease. Therefore, it has been classified as a Variant of Uncertain Significance.